The following is an entry in ClinVar:

NM_004360.5(CDH1):c.2139_2140inv (p.Ile713_Leu714delinsMetIle)

Gene: CDH1 (cadherin 1; plus strand). Cytogenetic location: 16q22.1.
Variant type: Inversion.
Coding change: c.2139_2140inv on transcript NM_004360.5 (MANE Select).
Protein change: p.Ile713_Leu714delinsMetIle.
Molecular consequence: missense variant.
Genome position: GRCh38 VCF-style: chr16-68823601-TC-GA. GRCh37 (hg19) VCF-style: chr16-68857504-TC-GA.
Other names: c.2139_2140inv (LRG_301t1); c.1956_1957inv, p.Ile652_Leu653delinsMetIle (NM_001317184.2); c.591_592inv, p.Ile197_Leu198delinsMetIle (NM_001317185.2); c.174_175inv, p.Ile58_Leu59delinsMetIle (NM_001317186.2); c.2139_2140delinsGA (NM_004360.5); c.2139_2140delTCinsGA (NM_004360.3).
Identifiers: ClinVar variation 489853 (VCV000489853.14), ClinGen allele CA658683962.

ClinVar aggregate classification (germline): Uncertain significance. Review status: criteria provided, multiple submitters, no conflicts (2 of 4 stars). 3 submissions from 3 submitters: Uncertain significance (3). Last evaluated 2024-03-04.

Conditions:
Hereditary cancer-predisposing syndrome. Also called: Tumor predisposition; Neoplastic Syndromes, Hereditary; Hereditary Cancer Syndrome; Hereditary neoplastic syndrome. Identifiers: Orphanet 140162, MedGen C0027672, MeSH D009386, MONDO:0015356.
Hereditary diffuse gastric adenocarcinoma (HDGC). Also called: DIFFUSE GASTRIC AND LOBULAR BREAST CANCER SYNDROME. Identifiers: Orphanet 26106, MedGen C1708349, MONDO:0007648, OMIM 137215.

Submissions (3):

Ambry Genetics
Classification: Uncertain significance for Hereditary cancer-predisposing syndrome. Last evaluated: 2024-03-04. Review status: criteria provided, single submitter. Criteria: Ambry Variant Classification Scheme 2023. Collection method: clinical testing. Allele origin: germline.
Comment: The c.2139_2140delTCinsGA variant, located in coding exon 13 of the CDH1 gene, results from an in-frame deletion of TC and insertion of GA at nucleotide positions 2139 to 2140. This results in the substitution of the residue for a residue at codon 713, an amino acid with highly similar properties. This amino acid region is well conserved in available vertebrate species. In addition, the in silico prediction for this alteration is inconclusive (Choi Y et al. PLoS ONE. 2012; 7(10):e46688). Based on the available evidence, the clinical significance of this alteration remains unclear.

Color Diagnostics, LLC DBA Color Health
Classification: Uncertain significance for Hereditary cancer-predisposing syndrome. Last evaluated: 2023-12-05. Review status: criteria provided, single submitter. Criteria: ACMG Guidelines, 2015. Collection method: clinical testing. Allele origin: germline.
Comment: This missense variant replaces an isoleucine-leucine amino acid pair with methionine-isoleucine at codons 713-714 of the CDH1 protein. To our knowledge, functional studies have not been reported for this variant. This variant has not been reported in individuals affected with hereditary cancer in the literature. This variant has not been identified in the general population by the Genome Aggregation Database (gnomAD). The available evidence is insufficient to determine the role of this variant in disease conclusively. Therefore, this variant is classified as a Variant of Uncertain Significance.

Labcorp Genetics (formerly Invitae), Labcorp
Classification: Uncertain significance for Hereditary diffuse gastric adenocarcinoma. Last evaluated: 2021-12-22. Review status: criteria provided, single submitter. Criteria: Invitae Variant Classification Sherloc (09022015). Collection method: clinical testing. Allele origin: germline.
Comment: In summary, the available evidence is currently insufficient to determine the role of this variant in disease. Therefore, it has been classified as a Variant of Uncertain Significance. Experimental studies and prediction algorithms are not available or were not evaluated, and the functional significance of this variant is currently unknown. ClinVar contains an entry for this variant (Variation ID: 489853). This variant has not been reported in the literature in individuals affected with CDH1-related conditions. Information on the frequency of this variant in the gnomAD database is not available, as this variant may be reported differently in the database. This variant, c.2139_2140delinsGA, is a complex sequence change that results in the deletion of 2 and insertion of 2 amino acid(s) in the CDH1 protein (p.Ile713_Leu714delinsMetIle).